The following is an entry in ClinVar:

NM_003803.4(MYOM1):c.3689A>G (p.Lys1230Arg)

Gene: MYOM1 (myomesin 1; minus strand). Cytogenetic location: 18p11.31.
Variant type: single nucleotide variant.
Coding change: c.3689A>G on transcript NM_003803.4 (MANE Select); coding-DNA position 3689, A replaced by G.
Protein change: p.Lys1230Arg; replaces lysine 1230 with arginine.
Molecular consequence: missense variant.
Genome position (GRCh38, 1-based): chr18:3,100,197, T>C on the plus strand (A>G on the coding strand, the complement: MYOM1 is on the minus strand). VCF-style: chr18-3100197-T-C. GRCh37 (hg19) VCF-style: chr18-3100195-T-C.
Other names: c.3401A>G, p.Lys1134Arg (NM_019856.2); short protein forms K1230R, K1134R.
Identifiers: ClinVar variation 2561497 (VCV002561497.3), dbSNP rs2079357965, ClinGen allele CA401701706.

ClinVar aggregate classification (germline): Uncertain significance. Review status: criteria provided, multiple submitters, no conflicts (2 of 4 stars). 2 submissions from 2 submitters: Uncertain significance (2). Last evaluated 2025-06-22.

Conditions:
Hypertrophic cardiomyopathy. Also called: HYPERTROPHIC MYOCARDIOPATHY. Identifiers: Orphanet 217569, MedGen C0007194, MeSH D002312, MONDO:0005045, HP:0001639.

Allele frequency attached by ClinVar (database versions not stated): gnomAD 0.00001.
gnomAD v4.1: 1 of 1,613,818 alleles (0.000062%); highest among the groups gnomAD compares: African/African-American, 0.0013%; no homozygotes.

Submissions (2):

Labcorp Genetics (formerly Invitae), Labcorp
Classification: Uncertain significance for Hypertrophic cardiomyopathy. Last evaluated: 2025-06-22. Review status: criteria provided, single submitter. Criteria: Invitae Variant Classification Sherloc (09022015). Collection method: clinical testing. Allele origin: germline.
Comment: This sequence change replaces lysine, which is basic and polar, with arginine, which is basic and polar, at codon 1230 of the MYOM1 protein (p.Lys1230Arg). This variant is not present in population databases (gnomAD no frequency). This variant has not been reported in the literature in individuals affected with MYOM1-related conditions. ClinVar contains an entry for this variant (Variation ID: 2561497). Invitae Evidence Modeling of protein sequence and biophysical properties (such as structural, functional, and spatial information, amino acid conservation, physicochemical variation, residue mobility, and thermodynamic stability) has been performed for this missense variant. However, the output from this modeling did not meet the statistical confidence thresholds required to predict the impact of this variant on MYOM1 protein function. In summary, the available evidence is currently insufficient to determine the role of this variant in disease. Therefore, it has been classified as a Variant of Uncertain Significance.

Ambry Genetics
Classification: Uncertain significance. Last evaluated: 2023-06-01. Review status: criteria provided, single submitter. Criteria: Ambry Variant Classification Scheme 2023. Collection method: clinical testing. Allele origin: germline.
Comment: The p.K1230R variant (also known as c.3689A>G), located in coding exon 24 of the MYOM1 gene, results from an A to G substitution at nucleotide position 3689. The lysine at codon 1230 is replaced by arginine, an amino acid with highly similar properties. This amino acid position is conserved. In addition, this alteration is predicted to be tolerated by in silico analysis. Since supporting evidence is limited at this time, the clinical significance of this alteration remains unclear.